The following is an entry in ClinVar:

ClinVar aggregate classification (germline): Uncertain significance. Review status: criteria provided, multiple submitters, no conflicts (2 of 4 stars). 2 submissions from 2 submitters: Uncertain significance (2). Last evaluated 2024-03-01.

Conditions:
Hereditary cancer-predisposing syndrome. Also called: Hereditary Cancer Syndrome; Hereditary neoplastic syndrome; Neoplastic Syndromes, Hereditary; Tumor predisposition. Identifiers: Orphanet 140162, MedGen C0027672, MeSH D009386, MONDO:0015356.

gnomAD v4.1: 2 of 1,613,810 alleles (0.00012%); highest among the groups gnomAD compares: South Asian, 0.0022%; no homozygotes.

Submissions (2):

Labcorp Genetics (formerly Invitae), Labcorp
Classification: Uncertain significance. Last evaluated: 2024-03-01. Review status: criteria provided, single submitter. Criteria: Invitae Variant Classification Sherloc (09022015). Collection method: clinical testing. Allele origin: germline.
Comment: This sequence change replaces alanine, which is neutral and non-polar, with threonine, which is neutral and polar, at codon 226 of the FH protein (p.Ala226Thr). This variant is not present in population databases (gnomAD no frequency). This variant has not been reported in the literature in individuals affected with FH-related conditions. ClinVar contains an entry for this variant (Variation ID: 1692243). Advanced modeling of protein sequence and biophysical properties (such as structural, functional, and spatial information, amino acid conservation, physicochemical variation, residue mobility, and thermodynamic stability) performed at Invitae indicates that this missense variant is not expected to disrupt FH protein function with a negative predictive value of 80%. In summary, the available evidence is currently insufficient to determine the role of this variant in disease. Therefore, it has been classified as a Variant of Uncertain Significance.

Sema4
Classification: Uncertain significance for Hereditary cancer-predisposing syndrome. Last evaluated: 2022-03-10. Review status: criteria provided, single submitter. Criteria: Sema4 Curation Guidelines. Collection method: curation. Allele origin: germline.
Comment: The FH c.676G>A (p.A226T) variant has not been reported in the literature to our knowledge. This variant is not reported in the Genome Aggregation Database (PMID: 32461654) or ClinVar. Functional studies have not been performed, and in silico predictions of the variant's effect on protein function are inconclusive. The evidence is insufficient to meet ACMG/AMP criteria for classifying the variant as benign or pathogenic. Thus, the clinical significance of this variant is currently uncertain.

NM_000143.4(FH):c.676G>A (p.Ala226Thr)

Gene: FH (fumarate hydratase; minus strand). Cytogenetic location: 1q43.
Variant type: single nucleotide variant.
Coding change: c.676G>A on transcript NM_000143.4 (MANE Select); coding-DNA position 676, G replaced by A.
Protein change: p.Ala226Thr; replaces alanine 226 with threonine.
Molecular consequence: missense variant.
Genome position (GRCh38, 1-based): chr1:241,508,665, C>T on the plus strand (G>A on the coding strand, the complement: FH is on the minus strand). VCF-style: chr1-241508665-C-T. GRCh37 (hg19) VCF-style: chr1-241671965-C-T.
Other names: short protein forms A226T.
Identifiers: ClinVar variation 1692243 (VCV001692243.3), dbSNP rs2147919498, ClinGen allele CA345439263.